The following is an entry in ClinVar:

ClinVar aggregate classification (germline): Uncertain significance. Review status: criteria provided, multiple submitters, no conflicts (2 of 4 stars). 5 submissions from 5 submitters: Uncertain significance (4). 1 of the submissions does not count toward it. Last evaluated 2025-09-02.

Conditions:
Retinal dystrophy. Also called: Inherited retinal dystrophy. Identifiers: Orphanet 71862, MedGen C0854723, MeSH D058499, MONDO:0019118, HP:0000556.
ZNF513-related disorder. Also called: ZNF513-related condition.

Allele frequency attached by ClinVar (database versions not stated): ExAC 0.00007; gnomAD 0.00007; gnomAD exomes 0.00007 and 0.00008; TOPMed 0.00007; ESP Exome Variant Server 0.00023.

Submissions (5):

PreventionGenetics, part of Exact Sciences
Classification: Uncertain significance for ZNF513-related condition. Last evaluated: 2025-09-02. Review status: criteria provided, single submitter. Criteria: ACMG Guidelines, 2015. Collection method: clinical testing. Allele origin: germline.
Comment: The ZNF513 c.787C>T variant is predicted to result in the amino acid substitution p.Arg263Trp. To our knowledge, this variant has not been reported in the literature. This variant is reported in 0.012% of alleles in individuals of European (Non-Finnish) descent in gnomAD. At this time, the clinical significance of this variant is uncertain due to the absence of conclusive functional and genetic evidence.

Labcorp Genetics (formerly Invitae), Labcorp
Classification: Uncertain significance. Last evaluated: 2025-07-31. Review status: criteria provided, single submitter. Criteria: Invitae Variant Classification Sherloc (09022015). Collection method: clinical testing. Allele origin: germline.
Comment: This sequence change replaces arginine, which is basic and polar, with tryptophan, which is neutral and slightly polar, at codon 263 of the ZNF513 protein (p.Arg263Trp). This variant is present in population databases (rs371894255, gnomAD 0.01%). This variant has not been reported in the literature in individuals affected with ZNF513-related conditions. ClinVar contains an entry for this variant (Variation ID: 862970). An algorithm developed to predict the effect of missense changes on protein structure and function (PolyPhen-2) suggests that this variant is likely to be tolerated. In summary, the available evidence is currently insufficient to determine the role of this variant in disease. Therefore, it has been classified as a Variant of Uncertain Significance.

Blueprint Genetics
Classification: Uncertain significance. Last evaluated: 2024-08-02. Review status: criteria provided, single submitter. Criteria: ACMG Guidelines, 2015. Collection method: clinical testing. Allele origin: germline.

Ambry Genetics
Classification: Uncertain significance. Last evaluated: 2024-02-05. Review status: criteria provided, single submitter. Criteria: Ambry Variant Classification Scheme 2023. Collection method: clinical testing. Allele origin: germline.

Institute of Human Genetics, Univ. Regensburg, Univ. Regensburg
Classification: Uncertain significance for Retinal dystrophy. Last evaluated: 2023-01-01. Review status: no assertion criteria provided. Criteria: ACMG Guidelines, 2015. Collection method: clinical testing. Allele origin: germline. Affected: yes. Not counted in ClinVar's aggregate classification.

NM_144631.6(ZNF513):c.787C>T (p.Arg263Trp)

Gene: ZNF513 (zinc finger protein 513; minus strand). Cytogenetic location: 2p23.3.
Variant type: single nucleotide variant.
Coding change: c.787C>T on transcript NM_144631.6 (MANE Select); coding-DNA position 787, C replaced by T.
Protein change: p.Arg263Trp; replaces arginine 263 with tryptophan.
Molecular consequence: missense variant.
Genome position (GRCh38, 1-based): chr2:27,378,479, G>A on the plus strand (C>T on the coding strand, the complement: ZNF513 is on the minus strand). VCF-style: chr2-27378479-G-A. GRCh37 (hg19) VCF-style: chr2-27601346-G-A.
Other names: c.601C>T, p.Arg201Trp (NM_001201459.2); short protein forms R201W, R263W.
Identifiers: ClinVar variation 862970 (VCV000862970.13), dbSNP rs371894255, ClinGen allele CA1577967.